The following is an entry in ClinVar:

ClinVar aggregate classification (germline): Uncertain significance (1 of 4 stars; one submission).

Conditions:
Intellectual developmental disorder, autosomal dominant 1. Also called: Intellectual disability, autosomal dominant 1; MBD5 Haploinsufficiency. Identifiers: Orphanet 228402, MedGen C1969562, MONDO:0007974, OMIM 156200.

Submission:

SIB Swiss Institute of Bioinformatics
Classification: Uncertain significance for Intellectual developmental disorder, autosomal dominant 1. Last evaluated: 2018-04-16. Review status: criteria provided, single submitter. Criteria: ACMG Guidelines, 2015. Collection method: curation. Allele origin: germline.
Comment: This variant is interpreted as a Uncertain Significance, for Mental retardation, autosomal dominant 1, Autosomal Dominant inheritance. The following ACMG Tag(s) were applied: PM2 => Absent from controls (or at extremely low frequency if recessive) in Exome Sequencing Project, 1000 Genomes Project, or Exome Aggregation Consortium.

Literature cited by the submitters: PubMed 17847001.

NM_001378120.1(MBD5):c.431C>T (p.Thr144Ile)

Gene: MBD5 (methyl-CpG binding domain protein 5; plus strand). Cytogenetic location: 2q23.1.
Variant type: single nucleotide variant.
Coding change: c.431C>T on transcript NM_001378120.1 (MANE Select); coding-DNA position 431, C replaced by T.
Protein change: p.Thr144Ile; replaces threonine 144 with isoleucine.
Molecular consequence: missense variant.
Genome position (GRCh38, 1-based): chr2:148,468,374, C>T. VCF-style: chr2-148468374-C-T. GRCh37 (hg19) VCF-style: chr2-149225943-C-T.
Other names: NM_018328.4:c.431C>T(p.Thr144Ile); c.431C>T, p.Thr144Ile (NM_018328.5); short protein forms T144I.
Identifiers: ClinVar variation 549480 (VCV000549480.1), dbSNP rs1553518402, ClinGen allele CA348716775.